The following is an entry in ClinVar:

ClinVar aggregate classification (germline): Conflicting classifications of pathogenicity. Review status: criteria provided, conflicting classifications (1 of 4 stars). 4 submissions from 4 submitters: Uncertain significance (3); Likely benign (1). Last evaluated 2025-09-23.

Allele frequency attached by ClinVar (database versions not stated): gnomAD 0.00003 and 0.00004; ESP Exome Variant Server 0.00008; gnomAD exomes below 0.00001; ExAC 0.00001; TOPMed 0.00002.
gnomAD v4.1: 7 of 1,612,498 alleles (0.00043%); highest among the groups gnomAD compares: African/African-American, 0.008%; no homozygotes.

Submissions (4):

Women's Health and Genetics/Laboratory Corporation of America, LabCorp
Classification: Uncertain significance. Last evaluated: 2025-09-23. Review status: criteria provided, single submitter. Criteria: LabCorp Variant Classification Summary - May 2015. Collection method: clinical testing. Allele origin: germline.
Comment: Variant summary: ADGRV1 c.1801G>T (p.Asp601Tyr) results in a non-conservative amino acid change in the encoded protein sequence. Algorithms developed to predict the effect of missense changes on protein structure and function are either unavailable or do not agree on the potential impact of this missense change. The variant allele was found at a frequency of 4e-06 in 247964 control chromosomes. The available data on variant occurrences in the general population are insufficient to allow any conclusion about variant significance. To our knowledge, no occurrence of c.1801G>T in individuals affected with ADGRV1-related conditions and no experimental evidence demonstrating its impact on protein function have been reported. ClinVar contains an entry for this variant (Variation ID: 595871). Based on the evidence outlined above, the variant was classified as uncertain significance.

Blueprint Genetics
Classification: Uncertain significance. Last evaluated: 2024-03-12. Review status: criteria provided, single submitter. Criteria: ACMG Guidelines, 2015. Collection method: clinical testing. Allele origin: germline.

Labcorp Genetics (formerly Invitae), Labcorp
Classification: Likely benign. Last evaluated: 2022-11-01. Review status: criteria provided, single submitter. Criteria: Invitae Variant Classification Sherloc (09022015). Collection method: clinical testing. Allele origin: germline.

Eurofins Ntd Llc (ga)
Classification: Uncertain significance. Last evaluated: 2018-02-10. Review status: criteria provided, single submitter. Criteria: EGL ClinVar v180209 classification definitions. Collection method: clinical testing. Allele origin: germline. Observed: 1 variant allele, 1 heterozygote.

NM_032119.4(ADGRV1):c.1801G>T (p.Asp601Tyr)

Gene: ADGRV1 (adhesion G protein-coupled receptor V1; plus strand). Cytogenetic location: 5q14.3.
Variant type: single nucleotide variant.
Coding change: c.1801G>T on transcript NM_032119.4 (MANE Select); coding-DNA position 1801, G replaced by T.
Protein change: p.Asp601Tyr; replaces aspartic acid 601 with tyrosine.
Molecular consequence: missense variant. On other transcripts: non-coding transcript variant (1).
Genome position (GRCh38, 1-based): chr5:90,629,501, G>T. VCF-style: chr5-90629501-G-T. GRCh37 (hg19) VCF-style: chr5-89925318-G-T.
Other names: short protein forms D601Y.
Identifiers: ClinVar variation 595871 (VCV000595871.11), dbSNP rs375085032, ClinGen allele CA3338751.